The following is an entry in ClinVar:

ClinVar aggregate classification (germline): Pathogenic (0 of 4 stars; one submission).

Conditions:
alpha Thalassemia. Also called: Alpha thalassemia spectrum. Identifiers: Orphanet 846, MedGen C0002312, MONDO:0011399, OMIM 604131.

Submission:

GeneReviews
Classification: Pathogenic for alpha Thalassemia. Last evaluated: 2016-12-29. Review status: no assertion criteria provided. Collection method: literature only. Allele origin: germline.
Comment: Alpha2 His112Gln and deletion of codons 113-116 Leu-Pro-Ala-Glu.

NM_000517.4:c.[339C>G;340_351delCTCCCCGCCGAG]

Variant type: Haplotype.
Identifiers: ClinVar variation 375745 (VCV000375745.1).